The following is an entry in ClinVar:

NM_033305.3(VPS13A):c.7226A>G (p.Asp2409Gly)

Gene: VPS13A (vacuolar protein sorting 13 homolog A; plus strand). Cytogenetic location: 9q21.2.
Variant type: single nucleotide variant.
Coding change: c.7226A>G on transcript NM_033305.3 (MANE Select); coding-DNA position 7226, A replaced by G.
Protein change: p.Asp2409Gly; replaces aspartic acid 2409 with glycine.
Molecular consequence: missense variant.
Genome position (GRCh38, 1-based): chr9:77,345,079, A>G. VCF-style: chr9-77345079-A-G. GRCh37 (hg19) VCF-style: chr9-79959995-A-G.
Other names: c.7109A>G, p.Asp2370Gly (NM_001018037.2); c.7226A>G, p.Asp2409Gly (NM_001018038.3, NM_015186.4); short protein forms D2370G, D2409G.
Identifiers: ClinVar variation 1912706 (VCV001912706.2), dbSNP rs1831074709, ClinGen allele CA373853495.
Genomic context (GRCh38, chr9:77,345,079, plus strand): 5'-TTATAGCAGAAGTGAATTTGGCCGAGCATTCTACAGTTATTACATTTTTAGATTATCATG[A>G]TGGAGCAGCTACATTCCTCTTAATAAATCACACAAAGAATGAACTTGTTCAATACAATCA-3'
Protein context (NP_150648.2, residues 2399-2419): STVITFLDYH[Asp2409Gly]GAATFLLINH

ClinVar aggregate classification (germline): Uncertain significance (1 of 4 stars; one submission).

Allele frequency attached by ClinVar (database versions not stated): TOPMed 0.00001.

Submission:

Labcorp Genetics (formerly Invitae), Labcorp
Classification: Uncertain significance. Last evaluated: 2022-08-23. Review status: criteria provided, single submitter. Criteria: Invitae Variant Classification Sherloc (09022015). Collection method: clinical testing. Allele origin: germline.
Comment: This sequence change replaces aspartic acid, which is acidic and polar, with glycine, which is neutral and non-polar, at codon 2409 of the VPS13A protein (p.Asp2409Gly). This variant is not present in population databases (gnomAD no frequency). This variant has not been reported in the literature in individuals affected with VPS13A-related conditions. Algorithms developed to predict the effect of missense changes on protein structure and function are either unavailable or do not agree on the potential impact of this missense change (SIFT: "Tolerated"; PolyPhen-2: "Possibly Damaging"; Align-GVGD: "Class C0"). In summary, the available evidence is currently insufficient to determine the role of this variant in disease. Therefore, it has been classified as a Variant of Uncertain Significance.